The following is an entry in ClinVar:

NM_020693.4(DSCAML1):c.1292C>T (p.Ala431Val)

Gene: DSCAML1 (DS cell adhesion molecule like 1; minus strand). Cytogenetic location: 11q23.3.
Variant type: single nucleotide variant.
Coding change: c.1292C>T on transcript NM_020693.4 (MANE Select); coding-DNA position 1292, C replaced by T.
Protein change: p.Ala431Val; replaces alanine 431 with valine.
Molecular consequence: missense variant.
Genome position (GRCh38, 1-based): chr11:117,518,684, G>A on the plus strand (C>T on the coding strand, the complement: DSCAML1 is on the minus strand). VCF-style: chr11-117518684-G-A. GRCh37 (hg19) VCF-style: chr11-117389399-G-A.
Other names: c.1292C>T, p.Ala431Val (NM_001367904.1); c.884C>T, p.Ala295Val (NM_001367905.1); short protein forms A431V, A295V.
Identifiers: ClinVar variation 4722600 (VCV004722600.1).

ClinVar aggregate classification (germline): Uncertain significance (1 of 4 stars; one submission).

Submission:

Labcorp Genetics (formerly Invitae), Labcorp
Classification: Uncertain significance. Last evaluated: 2025-07-03. Review status: criteria provided, single submitter. Criteria: Invitae Variant Classification Sherloc (09022015). Collection method: clinical testing. Allele origin: germline.
Comment: This sequence change replaces alanine, which is neutral and non-polar, with valine, which is neutral and non-polar, at codon 491 of the DSCAML1 protein (p.Ala491Val). This variant is not present in population databases (gnomAD no frequency). This variant has not been reported in the literature in individuals affected with DSCAML1-related conditions. An algorithm developed to predict the effect of missense changes on protein structure and function (PolyPhen-2) suggests that this variant is likely to be tolerated. In summary, the available evidence is currently insufficient to determine the role of this variant in disease. Therefore, it has been classified as a Variant of Uncertain Significance.